The following is an entry in ClinVar:

ClinVar aggregate classification (germline): Uncertain significance. Review status: criteria provided, multiple submitters, no conflicts (2 of 4 stars). 2 submissions from 2 submitters: Uncertain significance (2). Last evaluated 2026-02-02.

Allele frequency attached by ClinVar (database versions not stated): gnomAD exomes below 0.00001 and 0.00001.
gnomAD v4.1: 3 of 1,597,540 alleles (0.00019%); highest among the groups gnomAD compares: East Asian, 0.0068%; no homozygotes.

Submissions (2):

Labcorp Genetics (formerly Invitae), Labcorp
Classification: Uncertain significance. Last evaluated: 2026-02-02. Review status: criteria provided, single submitter. Criteria: Invitae Variant Classification Sherloc (09022015). Collection method: clinical testing. Allele origin: germline.
Comment: This sequence change replaces isoleucine, which is neutral and non-polar, with threonine, which is neutral and polar, at codon 688 of the TBCK protein (p.Ile688Thr). This variant is present in population databases (no rsID available, gnomAD 0.006%). This variant has not been reported in the literature in individuals affected with TBCK-related conditions. ClinVar contains an entry for this variant (Variation ID: 1431100). Invitae Evidence Modeling of protein sequence and biophysical properties (such as structural, functional, and spatial information, amino acid conservation, physicochemical variation, residue mobility, and thermodynamic stability) indicates that this missense variant is not expected to disrupt TBCK protein function with a negative predictive value of 80%. In summary, the available evidence is currently insufficient to determine the role of this variant in disease. Therefore, it has been classified as a Variant of Uncertain Significance.

GeneDx
Classification: Uncertain significance. Last evaluated: 2024-10-28. Review status: criteria provided, single submitter. Criteria: GeneDx Variant Classification Process June 2021. Collection method: clinical testing. Allele origin: germline. Affected: yes.
Comment: Not observed at significant frequency in large population cohorts (gnomAD); In silico analysis supports that this missense variant has a deleterious effect on protein structure/function; Has not been previously published as pathogenic or benign to our knowledge

NM_001163435.3(TBCK):c.2063T>C (p.Ile688Thr)

Gene: TBCK (TBC1 domain containing kinase; minus strand). Cytogenetic location: 4q24.
Variant type: single nucleotide variant.
Coding change: c.2063T>C on transcript NM_001163435.3 (MANE Select); coding-DNA position 2063, T replaced by C.
Protein change: p.Ile688Thr; replaces isoleucine 688 with threonine.
Molecular consequence: missense variant.
Genome position (GRCh38, 1-based): chr4:106,171,267, A>G on the plus strand (T>C on the coding strand, the complement: TBCK is on the minus strand). VCF-style: chr4-106171267-A-G. GRCh37 (hg19) VCF-style: chr4-107092424-A-G.
Other names: c.2063T>C, p.Ile688Thr (NM_001163436.4); c.1946T>C, p.Ile649Thr (NM_001163437.3); c.1547T>C, p.Ile516Thr (NM_001290768.2); c.1874T>C, p.Ile625Thr (NM_033115.5); c.2063T>C (NM_001163435.2); short protein forms I625T, I649T, I516T, I688T.
Identifiers: ClinVar variation 1431100 (VCV001431100.9), dbSNP rs1347660457, ClinGen allele CA357819761.
Genomic context (GRCh38, chr4:106,171,267, plus strand): 5'-GCACTTTTAGGAGTCCAACAAAACAGGTTGATAGATTCTCTCACACAGCGTTCAATGTCA[A>G]TTTCTAGATAGAAATGTTTTAAAAAAGCAAATGTATAGAATTTAGATTGCTCTTTTAATG-3'
Protein context (NP_001156907.2, residues 678-698): CILLFSDLPE[Ile688Thr]DIERCVRESI